The following is an entry in ClinVar:

NM_000075.4(CDK4):c.328C>T (p.Pro110Ser)

Gene: CDK4 (cyclin dependent kinase 4; minus strand). Cytogenetic location: 12q14.1.
Variant type: single nucleotide variant.
Coding change: c.328C>T on transcript NM_000075.4 (MANE Select); coding-DNA position 328, C replaced by T.
Protein change: p.Pro110Ser; replaces proline 110 with serine.
Molecular consequence: missense variant.
Genome position (GRCh38, 1-based): chr12:57,751,233, G>A on the plus strand (C>T on the coding strand, the complement: CDK4 is on the minus strand). VCF-style: chr12-57751233-G-A. GRCh37 (hg19) VCF-style: chr12-58145016-G-A.
Other names: short protein forms P110S.
Identifiers: ClinVar variation 2566771 (VCV002566771.6), dbSNP rs2540902296, ClinGen allele CA385547623.

ClinVar aggregate classification (germline): Uncertain significance. Review status: criteria provided, multiple submitters, no conflicts (2 of 4 stars). 2 submissions from 2 submitters: Uncertain significance (2). Last evaluated 2025-04-28.

Conditions:
Familial melanoma. Also called: Hereditary melanoma; Hereditary cutaneous melanoma. Identifiers: Orphanet 618, MedGen C1512419, MONDO:0018961.
Hereditary cancer-predisposing syndrome. Also called: Hereditary neoplastic syndrome; Hereditary Cancer Syndrome; Neoplastic Syndromes, Hereditary; Tumor predisposition. Identifiers: Orphanet 140162, MedGen C0027672, MeSH D009386, MONDO:0015356.

Allele frequency attached by ClinVar (database versions not stated): gnomAD exomes below 0.00001.

Submissions (2):

Ambry Genetics
Classification: Uncertain significance for Hereditary cancer-predisposing syndrome. Last evaluated: 2025-04-28. Review status: criteria provided, single submitter. Criteria: Ambry Variant Classification Scheme 2023. Collection method: clinical testing. Allele origin: germline.
Comment: The p.P110S variant (also known as c.328C>T), located in coding exon 2 of the CDK4 gene, results from a C to T substitution at nucleotide position 328. The proline at codon 110 is replaced by serine, an amino acid with similar properties. This amino acid position is conserved. In addition, the in silico prediction for this alteration is inconclusive. Since supporting evidence is limited at this time, the clinical significance of this alteration remains unclear.

Labcorp Genetics (formerly Invitae), Labcorp
Classification: Uncertain significance for Familial melanoma. Last evaluated: 2023-07-25. Review status: criteria provided, single submitter. Criteria: Invitae Variant Classification Sherloc (09022015). Collection method: clinical testing. Allele origin: germline.
Comment: ClinVar contains an entry for this variant (Variation ID: 2566771). In summary, the available evidence is currently insufficient to determine the role of this variant in disease. Therefore, it has been classified as a Variant of Uncertain Significance. Advanced modeling of protein sequence and biophysical properties (such as structural, functional, and spatial information, amino acid conservation, physicochemical variation, residue mobility, and thermodynamic stability) performed at Invitae indicates that this missense variant is not expected to disrupt CDK4 protein function. This variant has not been reported in the literature in individuals affected with CDK4-related conditions. This variant is not present in population databases (gnomAD no frequency). This sequence change replaces proline, which is neutral and non-polar, with serine, which is neutral and polar, at codon 110 of the CDK4 protein (p.Pro110Ser).